The following is an entry in ClinVar:

ClinVar aggregate classification (germline): Uncertain significance (1 of 4 stars; one submission).

gnomAD v4.1: 2 of 1,613,976 alleles (0.00012%); highest among the groups gnomAD compares: East Asian, 0.0022%; no homozygotes.

Submission:

Mayo Clinic Laboratories, Mayo Clinic
Classification: Uncertain significance. Last evaluated: 2023-12-28. Review status: criteria provided, single submitter. Criteria: ACMG Guidelines, 2015. Collection method: clinical testing. Allele origin: germline. Observed: 1 variant allele.
Comment: PM2_moderate

NM_016653.3(MAP3K20):c.499G>A (p.Val167Ile)

Gene: MAP3K20 (mitogen-activated protein kinase kinase kinase 20; plus strand). Cytogenetic location: 2q31.1.
Variant type: single nucleotide variant.
Coding change: c.499G>A on transcript NM_016653.3 (MANE Select); coding-DNA position 499, G replaced by A.
Protein change: p.Val167Ile; replaces valine 167 with isoleucine.
Molecular consequence: missense variant.
Genome position (GRCh38, 1-based): chr2:173,191,094, G>A. VCF-style: chr2-173191094-G-A. GRCh37 (hg19) VCF-style: chr2-174055822-G-A.
Other names: p.Val167Ile; c.499G>A, p.Val167Ile (NM_133646.3); short protein forms V167I.
Identifiers: ClinVar variation 3380851 (VCV003380851.1).